The following is an entry in ClinVar:

ClinVar aggregate classification (germline): Uncertain significance (1 of 4 stars; one submission).

Submission:

Labcorp Genetics (formerly Invitae), Labcorp
Classification: Uncertain significance. Last evaluated: 2023-08-28. Review status: criteria provided, single submitter. Criteria: Invitae Variant Classification Sherloc (09022015). Collection method: clinical testing. Allele origin: germline.
Comment: In summary, the available evidence is currently insufficient to determine the role of this variant in disease. Therefore, it has been classified as a Variant of Uncertain Significance. Advanced modeling of protein sequence and biophysical properties (such as structural, functional, and spatial information, amino acid conservation, physicochemical variation, residue mobility, and thermodynamic stability) performed at Invitae indicates that this missense variant is not expected to disrupt POLE protein function. This variant has not been reported in the literature in individuals affected with POLE-related conditions. This variant is not present in population databases (gnomAD no frequency). This sequence change replaces proline, which is neutral and non-polar, with threonine, which is neutral and polar, at codon 1226 of the POLE protein (p.Pro1226Thr).

NM_006231.4(POLE):c.3676C>A (p.Pro1226Thr)

Gene: POLE (DNA polymerase epsilon, catalytic subunit; minus strand). Cytogenetic location: 12q24.33.
Variant type: single nucleotide variant.
Coding change: c.3676C>A on transcript NM_006231.4 (MANE Select); coding-DNA position 3676, C replaced by A.
Protein change: p.Pro1226Thr; replaces proline 1226 with threonine.
Molecular consequence: missense variant.
Genome position (GRCh38, 1-based): chr12:132,649,796, G>T on the plus strand (C>A on the coding strand, the complement: POLE is on the minus strand). VCF-style: chr12-132649796-G-T. GRCh37 (hg19) VCF-style: chr12-133226382-G-T.
Other names: short protein forms P1226T.
Identifiers: ClinVar variation 2755838 (VCV002755838.3), dbSNP rs773990429, ClinGen allele CA387386639.